The following is an entry in ClinVar:

ClinVar aggregate classification (germline): Uncertain significance (1 of 4 stars; one submission).

Submission:

Labcorp Genetics (formerly Invitae), Labcorp
Classification: Uncertain significance. Last evaluated: 2025-12-07. Review status: criteria provided, single submitter. Criteria: Invitae Variant Classification Sherloc (09022015). Collection method: clinical testing. Allele origin: germline.
Comment: This sequence change replaces threonine, which is neutral and polar, with alanine, which is neutral and non-polar, at codon 229 of the POLR3B protein (p.Thr229Ala). This variant is not present in population databases (gnomAD no frequency). This variant has not been reported in the literature in individuals affected with POLR3B-related conditions. Invitae Evidence Modeling of protein sequence and biophysical properties (such as structural, functional, and spatial information, amino acid conservation, physicochemical variation, residue mobility, and thermodynamic stability) indicates that this missense variant is not expected to disrupt POLR3B protein function with a negative predictive value of 80%. In summary, the available evidence is currently insufficient to determine the role of this variant in disease. Therefore, it has been classified as a Variant of Uncertain Significance.

NM_018082.6(POLR3B):c.685A>G (p.Thr229Ala)

Gene: POLR3B (RNA polymerase III subunit B; plus strand). Cytogenetic location: 12q23.3.
Variant type: single nucleotide variant.
Coding change: c.685A>G on transcript NM_018082.6 (MANE Select); coding-DNA position 685, A replaced by G.
Protein change: p.Thr229Ala; replaces threonine 229 with alanine.
Molecular consequence: missense variant.
Genome position (GRCh38, 1-based): chr12:106,380,101, A>G. VCF-style: chr12-106380101-A-G. GRCh37 (hg19) VCF-style: chr12-106773879-A-G.
Other names: c.511A>G, p.Thr171Ala (NM_001160708.2); short protein forms T171A, T229A.
Identifiers: ClinVar variation 4740571 (VCV004740571.1).